The following is an entry in ClinVar:

ClinVar aggregate classification (germline): Likely pathogenic (1 of 4 stars; one submission).

Conditions:
Autosomal recessive limb-girdle muscular dystrophy type 2J (LGMDR10). Also called: Limb-girdle muscular dystrophy, type 2J; MUSCULAR DYSTROPHY, LIMB-GIRDLE, AUTOSOMAL RECESSIVE 10. Identifiers: Orphanet 140922, MedGen C1837342, MONDO:0012127, OMIM 608807.
Dilated cardiomyopathy 1G (CMD1G). Identifiers: Orphanet 154, MedGen C1858763, MONDO:0011400, OMIM 604145.

Submission:

Labcorp Genetics (formerly Invitae), Labcorp
Classification: Likely pathogenic for Dilated cardiomyopathy 1G; Autosomal recessive limb-girdle muscular dystrophy type 2J. Last evaluated: 2024-02-08. Review status: criteria provided, single submitter. Criteria: Invitae Variant Classification Sherloc (09022015). Collection method: clinical testing. Allele origin: germline.
Comment: This sequence change creates a premature translational stop signal (p.Glu20249Argfs*4) in the TTN gene. While this is not anticipated to result in nonsense mediated decay, it is expected to create a truncated TTN protein. This variant is not present in population databases (gnomAD no frequency). This variant has not been reported in the literature in individuals affected with TTN-related conditions. This variant is located in the A band of TTN (PMID: 25589632). Truncating variants in this region are significantly overrepresented in patients affected with dilated cardiomyopathy (PMID: 25589632). Truncating variants in this region have also been reported in individuals affected with autosomal recessive centronuclear myopathy (PMID: 23975875). In summary, the currently available evidence indicates that the variant is pathogenic, but additional data are needed to prove that conclusively. Therefore, this variant has been classified as Likely Pathogenic.

Literature cited by the submitters: PubMed 25589632; PubMed 23975875.

NM_001267550.2(TTN):c.60744del (p.Glu20249fs)

Genes: TTN (titin; minus strand), TTN-AS1 (TTN antisense RNA 1; plus strand). Cytogenetic location: 2q31.2.
Variant type: Deletion.
Coding change: c.60744del on transcript NM_001267550.2 (MANE Select); coding-DNA position 60744, one base deleted (A; older notation c.60744delA).
Protein change: p.Glu20249fs; shifts the reading frame from glutamic acid 20249.
Molecular consequence: frameshift variant.
Genome position (GRCh38, 1-based): chr2:178,590,981, T deleted on the plus strand (A on the coding strand, the reverse complement: TTN is on the minus strand). VCF-style (leftmost placement, unchanged base first): chr2-178590980-CT-C. GRCh37 (hg19) VCF-style: chr2-179455707-CT-C.
Other names: c.55821del, p.Glu18608fs (NM_001256850.1); c.33549del, p.Glu11184fs (NM_003319.4); c.53040del, p.Glu17681fs (NM_133378.4); c.33924del, p.Glu11309fs (NM_133432.3); c.34125del, p.Glu11376fs (NM_133437.4); short protein forms E11184fs, E11309fs, E11376fs, E17681fs, E18608fs, E20249fs.
Identifiers: ClinVar variation 3754513 (VCV003754513.2).